The following is an entry in ClinVar:

NM_144596.4(TTC8):c.739C>T (p.Gln247Ter)

Gene: TTC8 (tetratricopeptide repeat domain 8; plus strand). Cytogenetic location: 14q31.3.
Variant type: single nucleotide variant.
Coding change: c.739C>T on transcript NM_144596.4 (MANE Select); coding-DNA position 739, C replaced by T.
Protein change: p.Gln247Ter; replaces glutamine 247 with a stop codon.
Molecular consequence: nonsense. On other transcripts: non-coding transcript variant (1).
Genome position (GRCh38, 1-based): chr14:88,857,218, C>T. VCF-style: chr14-88857218-C-T. GRCh37 (hg19) VCF-style: chr14-89323562-C-T.
Other names: c.22C>T, p.Gln8Ter (NM_001288783.1); c.709C>T, p.Gln237Ter (NM_001366535.2, NM_198309.3); c.619C>T, p.Gln207Ter (NM_001366536.2, NM_198310.3); c.787C>T, p.Gln263Ter (NM_001288781.1); c.145C>T, p.Gln49Ter (NM_001288782.1); short protein forms Q207*, Q237*, Q247*, Q263*, Q49*, Q8*.
Identifiers: ClinVar variation 3240668 (VCV003240668.3), dbSNP rs2094860666.

ClinVar aggregate classification (germline): Pathogenic/Likely pathogenic. Review status: criteria provided, multiple submitters, no conflicts (2 of 4 stars). 2 submissions from 2 submitters: Pathogenic (1); Likely pathogenic (1). Last evaluated 2025-06-12.

Conditions:
Retinitis pigmentosa 51 (RP51). Identifiers: Orphanet 791, MedGen C3150715, MONDO:0013274, OMIM 613464.
Bardet-Biedl syndrome (BBS). Identifiers: Orphanet 110, MedGen C0752166, MONDO:0015229.

Allele frequency attached by ClinVar (database versions not stated): gnomAD exomes below 0.00001; TOPMed below 0.00001.

Submissions (2):

Labcorp Genetics (formerly Invitae), Labcorp
Classification: Pathogenic for Bardet-Biedl syndrome. Last evaluated: 2025-06-12. Review status: criteria provided, single submitter. Criteria: Invitae Variant Classification Sherloc (09022015). Collection method: clinical testing. Allele origin: germline.
Comment: This sequence change creates a premature translational stop signal (p.Gln237*) in the TTC8 gene. It is expected to result in an absent or disrupted protein product. Loss-of-function variants in TTC8 are known to be pathogenic (PMID: 16308660, 16877420, 19797195, 21052717, 30886724). This variant is not present in population databases (gnomAD no frequency). This variant has not been reported in the literature in individuals affected with TTC8-related conditions. ClinVar contains an entry for this variant (Variation ID: 3240668). For these reasons, this variant has been classified as Pathogenic.

Baylor Genetics
Classification: Likely pathogenic for Retinitis pigmentosa 51. Last evaluated: 2023-11-14. Review status: criteria provided, single submitter. Criteria: ACMG Guidelines, 2015. Collection method: clinical testing. Allele origin: unknown.

Literature cited by the submitters: PubMed 16308660 (cited by Labcorp Genetics (formerly Invitae), Labcorp); PubMed 16877420 (cited by Labcorp Genetics (formerly Invitae), Labcorp); PubMed 19797195 (cited by Labcorp Genetics (formerly Invitae), Labcorp); PubMed 21052717 (cited by Labcorp Genetics (formerly Invitae), Labcorp); PubMed 30886724 (cited by Labcorp Genetics (formerly Invitae), Labcorp).